The following is an entry in ClinVar:

ClinVar aggregate classification (germline): Uncertain significance (1 of 4 stars; one submission).

Conditions:
Kabuki syndrome 2 (KABUK2). Also called: KDM6A-Related Kabuki Syndrome. Identifiers: Orphanet 2322, MedGen C3275495, MONDO:0010465, OMIM 300867.

Submission:

Labcorp Genetics (formerly Invitae), Labcorp
Classification: Uncertain significance for Kabuki syndrome 2. Last evaluated: 2024-12-06. Review status: criteria provided, single submitter. Criteria: Invitae Variant Classification Sherloc (09022015). Collection method: clinical testing. Allele origin: germline.
Comment: This sequence change replaces asparagine, which is neutral and polar, with serine, which is neutral and polar, at codon 525 of the KDM6A protein (p.Asn525Ser). This variant is not present in population databases (gnomAD no frequency). This variant has not been reported in the literature in individuals affected with KDM6A-related conditions. ClinVar contains an entry for this variant (Variation ID: 1719794). Invitae Evidence Modeling of protein sequence and biophysical properties (such as structural, functional, and spatial information, amino acid conservation, physicochemical variation, residue mobility, and thermodynamic stability) indicates that this missense variant is not expected to disrupt KDM6A protein function with a negative predictive value of 80%. In summary, the available evidence is currently insufficient to determine the role of this variant in disease. Therefore, it has been classified as a Variant of Uncertain Significance.

NM_001291415.2(KDM6A):c.1730A>G (p.Asn577Ser)

Gene: KDM6A (lysine demethylase 6A; plus strand). Cytogenetic location: Xp11.3.
Variant type: single nucleotide variant.
Coding change: c.1730A>G on transcript NM_001291415.2 (MANE Select); coding-DNA position 1730, A replaced by G.
Protein change: p.Asn577Ser; replaces asparagine 577 with serine.
Molecular consequence: missense variant. On other transcripts: non-coding transcript variant (1).
Genome position (GRCh38, 1-based): chrX:45,063,468, A>G. VCF-style: chrX-45063468-A-G. GRCh37 (hg19) VCF-style: chrX-44922713-A-G.
Other names: c.1595A>G, p.Asn532Ser (NM_001291416.2); c.1439A>G, p.Asn480Ser (NM_001291417.2); c.1337A>G, p.Asn446Ser (NM_001291418.2); c.686A>G, p.Asn229Ser (NM_001291421.2); c.1472A>G, p.Asn491Ser (NM_001410742.1); c.1574A>G, p.Asn525Ser (NM_021140.4); short protein forms N229S, N446S, N480S, N491S, N525S, N532S, N577S.
Identifiers: ClinVar variation 1719794 (VCV001719794.5), dbSNP rs1359864920, ClinGen allele CA412787777.
Genomic context (GRCh38, chrX:45,063,468, plus strand): 5'-TGTTTTTTTGACAGATGAGACCAACAGGAGTTGCACAGGTACGATCTACTGGAATTCCTA[A>G]TGGGCCAACAGCTGACTCATCACTGCCTACAAACTCAGTCTCTGGCCAGCAGCCACAGCT-3'
Protein context (NP_001278344.1, residues 567-587): VAQVRSTGIP[Asn577Ser]GPTADSSLPT